The following is an entry in ClinVar:

NM_000155.4(GALT):c.110T>C (p.Leu37Pro)

Genes: GALT (galactose-1-phosphate uridylyltransferase; plus strand), LOC130001683 (ATAC-STARR-seq lymphoblastoid active region 28314; plus strand). Cytogenetic location: 9p13.3.
Variant type: single nucleotide variant.
Coding change: c.110T>C on transcript NM_000155.4 (MANE Select); coding-DNA position 110, T replaced by C.
Protein change: p.Leu37Pro; replaces leucine 37 with proline.
Molecular consequence: missense variant. On other transcripts: 5 prime UTR variant (1).
Genome position (GRCh38, 1-based): chr9:34,647,116, T>C. VCF-style: chr9-34647116-T-C. GRCh37 (hg19) VCF-style: chr9-34647113-T-C.
Other names: c.-93T>C (NM_001258332.2); short protein forms L37P.
Identifiers: ClinVar variation 4848375 (VCV004848375.1).
Genomic context (GRCh38, chr9:34,647,116, plus strand): 5'-CTCTGAGGACTGATCTTGACTGTCTGCCCCCAGACCATCAGCATATCCGCTACAACCCGC[T>C]GCAGGATGAGTGGGTGCTGGTGTCAGCTCACCGCATGAAGCGGCCCTGGCAGGGTCAAGT-3'
Protein context (NP_000146.2, residues 27-47): NDHQHIRYNP[Leu37Pro]QDEWVLVSAH

ClinVar aggregate classification (germline): Uncertain significance (1 of 4 stars; one submission).

Submission:

Women's Health and Genetics/Laboratory Corporation of America, LabCorp
Classification: Uncertain significance. Last evaluated: 2026-04-30. Review status: criteria provided, single submitter. Criteria: LabCorp Variant Classification Summary - May 2015. Collection method: clinical testing. Allele origin: germline.
Comment: Variant summary: GALT c.110T>C (p.Leu37Pro) results in a non-conservative amino acid change in the encoded protein sequence. Algorithms developed to predict the effect of missense changes on protein structure and function all suggest that this variant is likely to be disruptive. The variant was absent in 251442 control chromosomes. The available data on variant occurrences in the general population are insufficient to allow any conclusion about variant significance. To our knowledge, no occurrence of c.110T>C in individuals affected with GALT-related conditions and no experimental evidence demonstrating its impact on protein function have been reported. No submitters have cited clinical-significance assessments for this variant to ClinVar. Based on the evidence outlined above, the variant was classified as uncertain significance.